The following is an entry in ClinVar:

ClinVar aggregate classification (germline): Uncertain significance (1 of 4 stars; one submission).

Submission:

Labcorp Genetics (formerly Invitae), Labcorp
Classification: Uncertain significance. Last evaluated: 2023-02-23. Review status: criteria provided, single submitter. Criteria: Invitae Variant Classification Sherloc (09022015). Collection method: clinical testing. Allele origin: germline.
Comment: This sequence change replaces leucine, which is neutral and non-polar, with proline, which is neutral and non-polar, at codon 266 of the ABCG8 protein (p.Leu266Pro). This variant is not present in population databases (gnomAD no frequency). This variant has not been reported in the literature in individuals affected with ABCG8-related conditions. Advanced modeling of protein sequence and biophysical properties (such as structural, functional, and spatial information, amino acid conservation, physicochemical variation, residue mobility, and thermodynamic stability) performed at Invitae indicates that this missense variant is expected to disrupt ABCG8 protein function. In summary, the available evidence is currently insufficient to determine the role of this variant in disease. Therefore, it has been classified as a Variant of Uncertain Significance.

NM_022437.3(ABCG8):c.797T>C (p.Leu266Pro)

Gene: ABCG8 (ATP binding cassette subfamily G member 8; plus strand). Cytogenetic location: 2p21.
Variant type: single nucleotide variant.
Coding change: c.797T>C on transcript NM_022437.3 (MANE Select); coding-DNA position 797, T replaced by C.
Protein change: p.Leu266Pro; replaces leucine 266 with proline.
Molecular consequence: missense variant.
Genome position (GRCh38, 1-based): chr2:43,852,701, T>C. VCF-style: chr2-43852701-T-C. GRCh37 (hg19) VCF-style: chr2-44079840-T-C.
Other names: c.797T>C, p.Leu266Pro (NM_001357321.2); short protein forms L266P.
Identifiers: ClinVar variation 2993528 (VCV002993528.3), dbSNP rs1572836042, ClinGen allele CA346666612.
Genomic context (GRCh38, chr2:43,852,701, plus strand): 5'-TCACAGCCCACAACCTGGTGAAGACCTTGTCCAGGCTGGCCAAAGGCAACCGGCTGGTGC[T>C]CATCTCCCTCCACCAGCCTCGCTCTGACATCTTCAGGCTGTTTGATCTGGTCCTCCTGAT-3'
Protein context (NP_071882.1, residues 256-276): SRLAKGNRLV[Leu266Pro]ISLHQPRSDI